The following is an entry in ClinVar:

NM_001166108.2(PALLD):c.1100C>T (p.Thr367Ile)

Gene: PALLD (palladin, cytoskeletal associated protein; plus strand). Cytogenetic location: 4q32.3.
Variant type: single nucleotide variant.
Coding change: c.1100C>T on transcript NM_001166108.2 (MANE Select); coding-DNA position 1100, C replaced by T.
Protein change: p.Thr367Ile; replaces threonine 367 with isoleucine.
Molecular consequence: missense variant. On other transcripts: 5 prime UTR variant (1).
Genome position (GRCh38, 1-based): chr4:168,681,344, C>T. VCF-style: chr4-168681344-C-T. GRCh37 (hg19) VCF-style: chr4-169602495-C-T.
Other names: c.-47C>T (NM_001166109.2); c.1100C>T, p.Thr367Ile (NM_016081.4); short protein forms T367I.
Identifiers: ClinVar variation 2447368 (VCV002447368.2), dbSNP rs769862983, ClinGen allele CA3135521.

ClinVar aggregate classification (germline): Uncertain significance (1 of 4 stars; one submission).

Allele frequency attached by ClinVar (database versions not stated): ExAC 0.00001; gnomAD 0.00001.
gnomAD v4.1: 6 of 1,604,198 alleles (0.00037%); highest among the groups gnomAD compares: African/African-American, 0.0054%; no homozygotes.

Submission:

Ambry Genetics
Classification: Uncertain significance. Last evaluated: 2023-02-21. Review status: criteria provided, single submitter. Criteria: Ambry Variant Classification Scheme 2023. Collection method: clinical testing. Allele origin: germline.
Comment: The p.T367I variant (also known as c.1100C>T), located in coding exon 3 of the PALLD gene, results from a C to T substitution at nucleotide position 1100. The threonine at codon 367 is replaced by isoleucine, an amino acid with similar properties. This amino acid position is conserved. In addition, this alteration is predicted to be tolerated by in silico analysis. Since supporting evidence is limited at this time, the clinical significance of this alteration remains unclear.